The following is an entry in ClinVar:

ClinVar aggregate classification (germline): Benign. Review status: criteria provided, multiple submitters, no conflicts (2 of 4 stars). 5 submissions from 5 submitters: Benign (5). Last evaluated 2026-02-04.

Conditions:
Congenital glucose-galactose malabsorption (GGM). Also called: MONOSACCHARIDE MALABSORPTION; DIARRHEA 16. Identifiers: Orphanet 35710, MedGen C0268186, MONDO:0011731, OMIM 606824.

Allele frequency attached by ClinVar (database versions not stated): 1000 Genomes Project 30x 0.03264; 1000 Genomes Project 0.03335; TOPMed 0.04180; gnomAD 0.04197 and 0.04237; ESP Exome Variant Server 0.04529; ExAC 0.04541; gnomAD exomes 0.04608.
gnomAD v4.1: 91,922 of 1,613,924 alleles (5.7%); highest among the groups gnomAD compares: Middle Eastern, 7.4%; 2,932 homozygotes.

Submissions (5):

Labcorp Genetics (formerly Invitae), Labcorp
Classification: Benign for Congenital glucose-galactose malabsorption. Last evaluated: 2026-02-04. Review status: criteria provided, single submitter. Criteria: Invitae Variant Classification Sherloc (09022015). Collection method: clinical testing. Allele origin: germline.

Mayo Clinic Laboratories, Mayo Clinic
Classification: Benign. Last evaluated: 2022-09-06. Review status: criteria provided, single submitter. Criteria: ACMG Guidelines, 2015. Collection method: clinical testing. Allele origin: germline. Observed: 14 variant alleles.

Illumina Laboratory Services, Illumina
Classification: Benign for Congenital glucose-galactose malabsorption. Last evaluated: 2018-01-13. Review status: criteria provided, single submitter. Criteria: ICSL Variant Classification Criteria 13 December 2019. Collection method: clinical testing. Allele origin: germline.
Comment: This variant was observed in the ICSL laboratory as part of a predisposition screen in an ostensibly healthy population. It had not been previously curated by ICSL or reported in the Human Gene Mutation Database (HGMD: prior to June 1st, 2018), and was therefore a candidate for classification through an automated scoring system. Utilizing variant allele frequency, disease prevalence and penetrance estimates, and inheritance mode, an automated score was calculated to assess if this variant is too frequent to cause the disease. Based on the score and internal cut-off values, a variant classified as benign is not then subjected to further curation. The score for this variant resulted in a classification of benign for this disease.

Laboratory for Molecular Medicine, Mass General Brigham Personalized Medicine
Classification: Benign. Last evaluated: 2016-03-28. Review status: criteria provided, single submitter. Criteria: LMM Criteria. Collection method: clinical testing. Allele origin: germline.
Comment: Variant identified in a genome or exome case(s) and assessed due to predicted null impact of the variant or pathogenic assertions in the literature or databases. Disclaimer: This variant has not undergone full assessment. The following are preliminary notes: Frequency

Breakthrough Genomics
Classification: Benign. Review status: criteria provided, single submitter. Criteria: ACMG Guidelines, 2015. Collection method: not provided. Allele origin: germline. Inheritance: Autosomal recessive inheritance. Affected: yes.

NM_000343.4(SLC5A1):c.1899G>A (p.Thr633=)

Gene: SLC5A1 (solute carrier family 5 member 1; plus strand). Cytogenetic location: 22q12.3.
Variant type: single nucleotide variant.
Coding change: c.1899G>A on transcript NM_000343.4 (MANE Select); coding-DNA position 1899, G replaced by A.
Protein change: p.Thr633=; no amino-acid change (threonine 633 retained).
Molecular consequence: synonymous variant.
Genome position (GRCh38, 1-based): chr22:32,110,117, G>A. VCF-style: chr22-32110117-G-A. GRCh37 (hg19) VCF-style: chr22-32506104-G-A.
Other names: p.Thr633=; c.1518G>A, p.Thr506= (NM_001256314.2).
Identifiers: ClinVar variation 341265 (VCV000341265.18), dbSNP rs33943816, ClinGen allele CA10198360.